The following is an entry in ClinVar:

NM_001101677.2(SOHLH1):c.760C>T (p.Pro254Ser)

Gene: SOHLH1 (spermatogenesis and oogenesis specific basic helix-loop-helix 1; minus strand). Cytogenetic location: 9q34.3.
Variant type: single nucleotide variant.
Coding change: c.760C>T on transcript NM_001101677.2 (MANE Select); coding-DNA position 760, C replaced by T.
Protein change: p.Pro254Ser; replaces proline 254 with serine.
Molecular consequence: missense variant.
Genome position (GRCh38, 1-based): chr9:135,695,165, G>A on the plus strand (C>T on the coding strand, the complement: SOHLH1 is on the minus strand). VCF-style: chr9-135695165-G-A. GRCh37 (hg19) VCF-style: chr9-138587011-G-A.
Other names: c.760C>T, p.Pro254Ser (NM_001012415.3); short protein forms P254S.
Identifiers: ClinVar variation 3382942 (VCV003382942.2).
Genomic context (GRCh38, chr9:135,695,165, plus strand): 5'-CCCCCATGGCCAGGGGCCCAGCCTGGCCCAGCCAGCCAAGGGCCTCCCCGCTCATCACGG[G>A]CAAGGTCTGCTGCTGCGAGAACGGAGGCCAGGACAGGGGTGGCCTCACAGCCTTAGGAAG-3'
Protein context (NP_001095147.2, residues 244-264): WPPFSQQQTL[Pro254Ser]VMSGEALGWL

ClinVar aggregate classification (germline): Uncertain significance (1 of 4 stars; one submission).

Conditions:
Ovarian dysgenesis 5. Identifiers: MedGen C4540141, MONDO:0054666, OMIM 617690.
Spermatogenic failure 32. Identifiers: MedGen C4748253, MONDO:0020855, OMIM 618115.

Submission:

Juno Genomics, Hangzhou Juno Genomics, Inc
Classification: Uncertain significance for Ovarian dysgenesis 5; Spermatogenic failure 32. Review status: criteria provided, single submitter. Criteria: ACMG Guidelines, 2015. Collection method: clinical testing. Allele origin: germline. Affected: yes.
Comment: Absent from controls (or at extremely low frequency if recessive) in Genome Aggregation Database, Exome Sequencing Project, 1000 Genomes Project, or Exome Aggregation Consortium.;Multiple lines of computational evidence suggest no impact on gene or gene product (conservation, evolutionary, splicing impact, etc).